The following is an entry in ClinVar:

ClinVar aggregate classification (germline): Uncertain significance. Review status: criteria provided, multiple submitters, no conflicts (2 of 4 stars). 3 submissions from 3 submitters: Uncertain significance (3). Last evaluated 2025-08-10.

Conditions:
GSN-related disorder. Also called: GSN-related condition.
Inborn genetic diseases. Identifiers: MedGen C0950123, MeSH D030342.

Allele frequency attached by ClinVar (database versions not stated): gnomAD 0.00004; TOPMed 0.00005; ExAC 0.00017; gnomAD exomes 0.00006 and 0.00013.
gnomAD v4.1: 160 of 1,408,438 alleles (0.011%); highest among the groups gnomAD compares: Non-Finnish European, 0.015%; no homozygotes.

Submissions (3):

Labcorp Genetics (formerly Invitae), Labcorp
Classification: Uncertain significance. Last evaluated: 2025-08-10. Review status: criteria provided, single submitter. Criteria: Invitae Variant Classification Sherloc (09022015). Collection method: clinical testing. Allele origin: germline.
Comment: This sequence change replaces proline, which is neutral and non-polar, with leucine, which is neutral and non-polar, at codon 40 of the GSN protein (p.Pro40Leu). This variant is present in population databases (rs764629393, gnomAD 0.01%). This variant has not been reported in the literature in individuals affected with GSN-related conditions. ClinVar contains an entry for this variant (Variation ID: 1421700). An algorithm developed to predict the effect of missense changes on protein structure and function (PolyPhen-2) suggests that this variant is likely to be tolerated. In summary, the available evidence is currently insufficient to determine the role of this variant in disease. Therefore, it has been classified as a Variant of Uncertain Significance.

Ambry Genetics
Classification: Uncertain significance for Inborn genetic diseases. Last evaluated: 2025-08-05. Review status: criteria provided, single submitter. Criteria: Ambry Variant Classification Scheme 2023. Collection method: clinical testing. Allele origin: germline.

PreventionGenetics, part of Exact Sciences
Classification: Uncertain significance for GSN-related condition. Last evaluated: 2025-04-25. Review status: criteria provided, single submitter. Criteria: ACMG Guidelines, 2015. Collection method: clinical testing. Allele origin: germline.
Comment: The GSN c.119C>T variant is predicted to result in the amino acid substitution p.Pro40Leu. To our knowledge, this variant has not been reported in the literature. This variant is reported in 0.012% of alleles in individuals of European (Non-Finnish) descent in gnomAD. At this time, the clinical significance of this variant is uncertain due to the absence of conclusive functional and genetic evidence.

NM_198252.3(GSN):c.-9-1983C>T

Gene: GSN (gelsolin; plus strand). Cytogenetic location: 9q33.2.
Variant type: single nucleotide variant.
Coding change: c.-9-1983C>T on transcript NM_198252.3 (MANE Select); 1983 bases into the intron before 9 bases upstream of the start codon, C replaced by T.
Molecular consequence: intron variant. On other transcripts: missense variant (1).
Genome position (GRCh38, 1-based): chr9:121,299,980, C>T. VCF-style: chr9-121299980-C-T. GRCh37 (hg19) VCF-style: chr9-124062258-C-T.
Other names: c.119C>T, p.Pro40Leu (NM_000177.5); c.-9-1983C>T (NM_001353054.1, NM_001353053.1, NM_001353060.2 and 5 more transcripts); c.-47-76C>T (NM_001353064.2, NM_001353066.2, NM_001353072.2 and 8 more transcripts); c.-1-1991C>T (NM_001353058.2, NM_001353059.2, NM_001353056.2 and 1 more transcripts); c.-38-85C>T (NM_001353073.2, NM_001353065.2, NM_001353068.2 and 2 more transcripts); c.100-1983C>T (NM_001127663.2); c.-32-91C>T (NM_001353070.2); c.-48-1944C>T (NM_001353055.2); and 3 more; short protein forms P40L.
Identifiers: ClinVar variation 1421700 (VCV001421700.12), dbSNP rs764629393, ClinGen allele CA5220660.